The following is an entry in ClinVar:

ClinVar aggregate classification (germline): Uncertain significance. Review status: criteria provided, multiple submitters, no conflicts (2 of 4 stars). 2 submissions from 2 submitters: Uncertain significance (2). Last evaluated 2023-12-19.

Conditions:
Inborn genetic diseases. Identifiers: MedGen C0950123, MeSH D030342.
Hereditary spastic paraplegia 11. Also called: SPASTIC PARAPLEGIA, AUTOSOMAL RECESSIVE, COMPLICATED, WITH THIN CORPUS CALLOSUM; SPASTIC PARAPLEGIA, AUTOSOMAL RECESSIVE, WITH MENTAL IMPAIRMENT AND THIN CORPUS CALLOSUM; Nakamura Osame syndrome; Autosomal recessive hereditary spastic paraplegia, mental impairment, and thin corpus callosum; Spastic paraplegia, mental retardation and thin corpus callosum; Spastic Paraplegia 11. Identifiers: Orphanet 2822, MedGen C1858479, MONDO:0011445, OMIM 604360.

Allele frequency attached by ClinVar (database versions not stated): gnomAD exomes below 0.00001 and 0.00001; ExAC 0.00002; gnomAD 0.00004 and 0.00005; ESP Exome Variant Server 0.00008; TOPMed 0.00010.
gnomAD v4.1: 11 of 1,613,816 alleles (0.00068%); highest among the groups gnomAD compares: African/African-American, 0.013%; no homozygotes.

Submissions (2):

Ambry Genetics
Classification: Uncertain significance for Inborn genetic diseases. Last evaluated: 2023-12-19. Review status: criteria provided, single submitter. Criteria: Ambry Variant Classification Scheme 2023. Collection method: clinical testing. Allele origin: germline.

Labcorp Genetics (formerly Invitae), Labcorp
Classification: Uncertain significance for Hereditary spastic paraplegia 11. Last evaluated: 2022-08-31. Review status: criteria provided, single submitter. Criteria: Invitae Variant Classification Sherloc (09022015). Collection method: clinical testing. Allele origin: germline.
Comment: This sequence change replaces isoleucine, which is neutral and non-polar, with serine, which is neutral and polar, at codon 696 of the SPG11 protein (p.Ile696Ser). This variant is present in population databases (rs150746549, gnomAD 0.02%). This variant has not been reported in the literature in individuals affected with SPG11-related conditions. ClinVar contains an entry for this variant (Variation ID: 466512). Algorithms developed to predict the effect of missense changes on protein structure and function are either unavailable or do not agree on the potential impact of this missense change (SIFT: "Deleterious"; PolyPhen-2: "Benign"; Align-GVGD: "Class C0"). In summary, the available evidence is currently insufficient to determine the role of this variant in disease. Therefore, it has been classified as a Variant of Uncertain Significance.

NM_025137.4(SPG11):c.2087T>G (p.Ile696Ser)

Gene: SPG11 (SPG11 vesicle trafficking associated, spatacsin; minus strand). Cytogenetic location: 15q21.1.
Variant type: single nucleotide variant.
Coding change: c.2087T>G on transcript NM_025137.4 (MANE Select); coding-DNA position 2087, T replaced by G.
Protein change: p.Ile696Ser; replaces isoleucine 696 with serine.
Molecular consequence: missense variant.
Genome position (GRCh38, 1-based): chr15:44,626,488, A>C on the plus strand (T>G on the coding strand, the complement: SPG11 is on the minus strand). VCF-style: chr15-44626488-A-C. GRCh37 (hg19) VCF-style: chr15-44918686-A-C.
Other names: c.2087T>G, p.Ile696Ser (NM_001160227.2); short protein forms I696S.
Identifiers: ClinVar variation 466512 (VCV000466512.8), dbSNP rs150746549, ClinGen allele CA7535344.